The following is an entry in ClinVar:

NM_000384.3(APOB):c.5322C>T (p.Tyr1774=)

Gene: APOB (apolipoprotein B; minus strand). Cytogenetic location: 2p24.1.
Variant type: single nucleotide variant.
Coding change: c.5322C>T on transcript NM_000384.3 (MANE Select); coding-DNA position 5322, C replaced by T.
Protein change: p.Tyr1774=; no amino-acid change (tyrosine 1774 retained).
Molecular consequence: synonymous variant.
Genome position (GRCh38, 1-based): chr2:21,011,546, G>A on the plus strand (C>T on the coding strand, the complement: APOB is on the minus strand). VCF-style: chr2-21011546-G-A. GRCh37 (hg19) VCF-style: chr2-21234418-G-A.
Identifiers: ClinVar variation 412957 (VCV000412957.22), dbSNP rs13306188, ClinGen allele CA061900.

ClinVar aggregate classification (germline): Conflicting classifications of pathogenicity. Review status: criteria provided, conflicting classifications (1 of 4 stars). 4 submissions from 3 submitters: Uncertain significance (1); Benign (2); Likely benign (1). Last evaluated 2025-12-31.

Conditions:
Cardiovascular phenotype. Identifiers: MedGen CN230736.
Hypercholesterolemia, autosomal dominant, type B (FHCL2). Also called: APOB-Related Familial Hypercholesterolemia, Autosomal Dominant; Familial Hypercholesterolemia Type B; APOLIPOPROTEIN B-100, FAMILIAL DEFECTIVE; APOLIPOPROTEIN B-100, FAMILIAL LIGAND-DEFECTIVE; Hyperlipoproteinemia Type IIb; Familial hypercholesterolemia 2. Identifiers: MedGen C1704417, MONDO:0007751, OMIM 144010.
Familial hypobetalipoproteinemia 1. Also called: APOB-Related Familial Hypobetalipoproteinemia; Hypobetalipoproteinemia, normotriglyceridemic; Acanthocytosis with hypobetalipoproteinemia. Identifiers: MedGen C4551990, MONDO:0014252, OMIM 615558.

Allele frequency attached by ClinVar (database versions not stated): TOPMed 0.00003; gnomAD 0.00004 and 0.00014; gnomAD exomes 0.00016 and 0.00039; ExAC 0.00020; 1000 Genomes Project 30x 0.00062; 1000 Genomes Project 0.00080.
gnomAD v4.1: 580 of 1,614,162 alleles (0.036%); highest among the groups gnomAD compares: East Asian, 1.3%; 6 homozygotes.

Submissions (4):

Labcorp Genetics (formerly Invitae), Labcorp
Classification: Benign for Familial hypobetalipoproteinemia 1; Hypercholesterolemia, autosomal dominant, type B. Last evaluated: 2025-12-31. Review status: criteria provided, single submitter. Criteria: Invitae Variant Classification Sherloc (09022015). Collection method: clinical testing. Allele origin: germline.

Ambry Genetics
Classification: Likely benign for Cardiovascular phenotype. Last evaluated: 2018-06-25. Review status: criteria provided, single submitter. Criteria: Ambry Variant Classification Scheme 2023. Collection method: clinical testing. Allele origin: germline.

Illumina Laboratory Services, Illumina
Classification: Benign for Hypercholesterolemia, autosomal dominant, type B. Last evaluated: 2017-04-27. Review status: criteria provided, single submitter. Criteria: ICSL Variant Classification Criteria 13 December 2019. Collection method: clinical testing. Allele origin: germline.
Comment: This variant was observed as part of a predisposition screen in an ostensibly healthy population. A literature search was performed for the gene, cDNA change, and amino acid change (where applicable). No publications were found based on this search. Allele frequency data from public databases was too high to be consistent with this variant causing disease. Therefore, this variant is classified as benign.

Illumina Laboratory Services, Illumina
Classification: Uncertain significance for Familial hypobetalipoproteinemia 1. Last evaluated: 2017-04-27. Review status: criteria provided, single submitter. Criteria: ICSL Variant Classification Criteria 13 December 2019. Collection method: clinical testing. Allele origin: germline.